The following is an entry in ClinVar:

NM_001368397.1(FRMPD4):c.1457T>C (p.Val486Ala)

Gene: FRMPD4 (FERM and PDZ domain containing 4; plus strand). Cytogenetic location: Xp22.2.
Variant type: single nucleotide variant.
Coding change: c.1457T>C on transcript NM_001368397.1 (MANE Select); coding-DNA position 1457, T replaced by C.
Protein change: p.Val486Ala; replaces valine 486 with alanine.
Molecular consequence: missense variant.
Genome position (GRCh38, 1-based): chrX:12,707,638, T>C. VCF-style: chrX-12707638-T-C. GRCh37 (hg19) VCF-style: chrX-12725757-T-C.
Other names: c.1568T>C, p.Val523Ala (NM_001368395.3, NM_001368398.3); c.1463T>C, p.Val488Ala (NM_001368396.3); c.1448T>C, p.Val483Ala (NM_001368399.3); c.1337T>C, p.Val446Ala (NM_001368400.3); c.1433T>C, p.Val478Ala (NM_001368401.1, NM_001368402.3); c.1457T>C, p.Val486Ala (NM_014728.3); short protein forms V446A, V478A, V483A, V523A, V486A, V488A.
Identifiers: ClinVar variation 4087930 (VCV004087930.1).

ClinVar aggregate classification (germline): Uncertain significance (1 of 4 stars; one submission).

Submission:

GeneDx
Classification: Uncertain significance. Last evaluated: 2025-03-24. Review status: criteria provided, single submitter. Criteria: GeneDx Variant Classification Process June 2021. Collection method: clinical testing. Allele origin: germline. Affected: yes.
Comment: Not observed at significant frequency in large population cohorts (gnomAD); In silico analysis supports that this missense variant has a deleterious effect on protein structure/function; Has not been previously published as pathogenic or benign to our knowledge